The following is an entry in ClinVar:

ClinVar aggregate classification (germline): Uncertain significance (1 of 4 stars; one submission).

Submission:

Labcorp Genetics (formerly Invitae), Labcorp
Classification: Uncertain significance. Last evaluated: 2024-10-30. Review status: criteria provided, single submitter. Criteria: Invitae Variant Classification Sherloc (09022015). Collection method: clinical testing. Allele origin: germline.
Comment: This sequence change replaces methionine, which is neutral and non-polar, with threonine, which is neutral and polar, at codon 71 of the HARS2 protein (p.Met71Thr). This variant is not present in population databases (gnomAD no frequency). This variant has not been reported in the literature in individuals affected with HARS2-related conditions. Invitae Evidence Modeling of protein sequence and biophysical properties (such as structural, functional, and spatial information, amino acid conservation, physicochemical variation, residue mobility, and thermodynamic stability) indicates that this missense variant is not expected to disrupt HARS2 protein function with a negative predictive value of 80%. In summary, the available evidence is currently insufficient to determine the role of this variant in disease. Therefore, it has been classified as a Variant of Uncertain Significance.

NM_012208.4(HARS2):c.212T>C (p.Met71Thr)

Gene: HARS2 (histidyl-tRNA synthetase 2, mitochondrial; plus strand). Cytogenetic location: 5q31.3.
Variant type: single nucleotide variant.
Coding change: c.212T>C on transcript NM_012208.4 (MANE Select); coding-DNA position 212, T replaced by C.
Protein change: p.Met71Thr; replaces methionine 71 with threonine.
Molecular consequence: missense variant. On other transcripts: initiator codon variant (2).
Genome position (GRCh38, 1-based): chr5:140,693,963, T>C. VCF-style: chr5-140693963-T-C. GRCh37 (hg19) VCF-style: chr5-140073548-T-C.
Other names: c.2T>C, p.Met1Thr (NM_001278732.2, NM_001363536.2); c.230T>C, p.Met77Thr (NM_001363535.2); c.137T>C, p.Met46Thr (NM_001278731.2); short protein forms M71T, M1T, M46T, M77T.
Identifiers: ClinVar variation 3692700 (VCV003692700.2).
Genomic context (GRCh38, chr5:140,693,963, plus strand): 5'-TTGTTTTCACTATGGCTGCTTTTGGTTTCCAGGGTACCAGGGATCTTAGTCCTCAGCATA[T>C]GGTTGTGAGGGAGAAAATTCTTGATTTGGTTATCAGCTGCTTTAAACGTCATGGAGCAAA-3'
Protein context (NP_036340.1, residues 61-81): KGTRDLSPQH[Met71Thr]VVREKILDLV